The following is an entry in ClinVar:

Conditions:
Breast-ovarian cancer, familial, susceptibility to, 1 (BROVCA1). Also called: BRCA1 Hereditary Breast and Ovarian Cancer; OVARIAN CANCER, SUSCEPTIBILITY TO. Identifiers: Orphanet 145, MedGen C2676676, MONDO:0011450, OMIM 604370. Disease mechanism: loss of function.

Submission:

Brotman Baty Institute, University of Washington
No classification provided (evidence only). Condition: Breast-ovarian cancer, familial 1. Review status: no classification provided. Collection method: in vitro. Allele origin: not applicable. Functional consequence: functionally_normal.
ClinVar note: "not provided" was previously submitted as the classification for the variant. However, the classification appeared to be based only on an observation of functional data so it was converted to no classification on 2025-07-30.

NM_007294.4(BRCA1):c.5490A>C (p.Ala1830=)

Gene: BRCA1 (BRCA1 DNA repair associated; minus strand). Cytogenetic location: 17q21.31.
Variant type: single nucleotide variant.
Coding change: c.5490A>C on transcript NM_007294.4 (MANE Select); coding-DNA position 5490, A replaced by C.
Protein change: p.Ala1830=; no amino-acid change (alanine 1830 retained).
Molecular consequence: synonymous variant. On other transcripts: 3 prime UTR variant (17).
Genome position (GRCh38, 1-based): chr17:43,045,780, T>G on the plus strand (A>C on the coding strand, the complement: BRCA1 is on the minus strand). VCF-style: chr17-43045780-T-G. GRCh37 (hg19) VCF-style: chr17-41197797-T-G.
Other names: c.5277A>C, p.Ala1759= (NM_001407571.1, NM_001407894.1, NM_001407895.1 and 12 more transcripts); c.5556A>C, p.Ala1852= (NM_001407581.1, NM_001407582.1); c.5553A>C, p.Ala1851= (NM_001407583.1, NM_001407585.1, NM_001407587.1 and 1 more transcripts); c.5550A>C, p.Ala1850= (NM_001407590.1, NM_001407591.1); c.5490A>C, p.Ala1830= (NM_001407593.1, NM_001407594.1, NM_001407596.1 and 5 more transcripts); c.5487A>C, p.Ala1829= (NM_001407610.1, NM_001407611.1, NM_001407612.1 and 14 more transcripts); c.5484A>C, p.Ala1828= (NM_001407627.1, NM_001407628.1, NM_001407629.1 and 13 more transcripts); c.5481A>C, p.Ala1827= (NM_001407644.1, NM_001407645.1); and 74 more.
Identifiers: ClinVar variation 864935 (VCV000864935.3), dbSNP rs2050883369, ClinGen allele CA500142944.